The following is an entry in ClinVar:

NM_000133.4(F9):c.130C>T (p.Pro44Ser)

Gene: F9 (coagulation factor IX; plus strand). Cytogenetic location: Xq27.1.
Variant type: single nucleotide variant.
Coding change: c.130C>T on transcript NM_000133.4 (MANE Select); coding-DNA position 130, C replaced by T.
Protein change: p.Pro44Ser; replaces proline 44 with serine.
Molecular consequence: missense variant.
Genome position (GRCh38, 1-based): chrX:139,537,051, C>T. VCF-style: chrX-139537051-C-T. GRCh37 (hg19) VCF-style: chrX-138619210-C-T.
Other names: NM_000133.4(F9):c.130C>T; p.Pro44Ser; c.130C>T, p.Pro44Ser (NM_001313913.2); short protein forms P44S.
Identifiers: ClinVar variation 1085717 (VCV001085717.10), dbSNP rs776894974, ClinGen allele CA10529740.

ClinVar aggregate classification (germline): Likely benign. Review status: reviewed by expert panel (3 of 4 stars). 3 submissions from 3 submitters: Likely benign (1). 2 of the submissions do not count toward it. Last evaluated 2025-08-15.

Conditions:
Hereditary factor IX deficiency disease (HEMB). Also called: Hemophilia B; Christmas Disease; F9 DEFICIENCY; FACTOR IX DEFICIENCY; PLASMA THROMBOPLASTIN COMPONENT DEFICIENCY. Identifiers: Orphanet 98879, MedGen C0008533, MeSH D002836, MONDO:0010604, OMIM 306900.
Thrombophilia, X-linked, due to factor 9 defect. Identifiers: MedGen C2749016, MONDO:0010432, OMIM 300807.

Allele frequency attached by ClinVar (database versions not stated): gnomAD exomes below 0.00001 and 0.00002; TOPMed below 0.00001; gnomAD 0.00001; ExAC 0.00002.
gnomAD v4.1: 2 of 1,207,787 alleles (0.00017%); highest among the groups gnomAD compares: East Asian, 0.0059%; no homozygotes.

Submissions (3):

ClinGen Coagulation Factor Deficiency Variant Curation Expert Panel, Clingen
Classification: Likely benign for Hereditary factor IX deficiency disease. Last evaluated: 2025-08-15. Review status: reviewed by expert panel. Criteria: ClinGen CoagFactor ACMG Specifications F9 V1.0.0. Collection method: curation. Allele origin: germline. Inheritance: X-linked inheritance.
Comment: The c.130C>T; p.Pro44Ser variant has a Grpmax MAF of 0.00005825 in gnomAD v2.1.1 meeting BS1. The variant also has a REVEL score of 0.144 and Splice AI scores: Acceptor Loss: 0.00, Donor Loss: 0.05, Acceptor Gain: 0.00, Donor Gain: 0.00, meeting BP4. In summary, this variant meets criteria to be classified as likely benign. ACMG/AMP criteria applied, as specified by the Coagulation Factor Deficiency Variant Curation Expert Panel for F9: BS1, BP4.

Labcorp Genetics (formerly Invitae), Labcorp
Classification: Likely benign for Thrombophilia, X-linked, due to factor 9 defect; Hereditary factor IX deficiency disease. Last evaluated: 2024-02-29. Review status: criteria provided, single submitter. Criteria: Invitae Variant Classification Sherloc (09022015). Collection method: clinical testing. Allele origin: germline. Not counted in ClinVar's aggregate classification.

Natera, Inc.
Classification: Likely benign for Hemophilia B. Last evaluated: 2021-10-19. Review status: no assertion criteria provided. Collection method: clinical testing. Allele origin: germline. Not counted in ClinVar's aggregate classification.